The following is an entry in ClinVar:

ClinVar aggregate classification (germline): Pathogenic. Review status: criteria provided, multiple submitters, no conflicts (2 of 4 stars). 2 submissions from 2 submitters: Pathogenic (2). Last evaluated 2022-08-23.

Conditions:
Developmental and epileptic encephalopathy. Identifiers: MedGen C5779964, MONDO:0100620.

Submissions (2):

GeneDx
Classification: Pathogenic. Last evaluated: 2022-08-23. Review status: criteria provided, single submitter. Criteria: GeneDx Variant Classification Process June 2021. Collection method: clinical testing. Allele origin: germline. Affected: yes.
Comment: Frameshift variant predicted to result in protein truncation or nonsense mediated decay in a gene for which loss of function is a known mechanism of disease; Not observed at significant frequency in large population cohorts (gnomAD); Has not been previously published as pathogenic or benign to our knowledge; This variant is associated with the following publications: (PMID: 18930999, 17347258)

Labcorp Genetics (formerly Invitae), Labcorp
Classification: Pathogenic for Early-infantile DEE. Last evaluated: 2021-05-27. Review status: criteria provided, single submitter. Criteria: Invitae Variant Classification Sherloc (09022015). Collection method: clinical testing. Allele origin: germline.
Comment: This sequence change creates a premature translational stop signal (p.Val143Leufs*2) in the SCN1A gene. It is expected to result in an absent or disrupted protein product. Loss-of-function variants in SCN1A are known to be pathogenic (PMID: 17347258, 18930999). This variant is not present in population databases (ExAC no frequency). This variant has not been reported in the literature in individuals with SCN1A-related conditions. For these reasons, this variant has been classified as Pathogenic.

Literature cited by the submitters: PubMed 17347258 (cited by Labcorp Genetics (formerly Invitae), Labcorp); PubMed 18930999 (cited by Labcorp Genetics (formerly Invitae), Labcorp).

NM_001165963.4(SCN1A):c.427_430del (p.Val143fs)

Gene: SCN1A (sodium voltage-gated channel alpha subunit 1; minus strand). Cytogenetic location: 2q24.3.
Variant type: Microsatellite.
Coding change: c.427_430del on transcript NM_001165963.4 (MANE Select); coding-DNA positions 427 to 430, 4 bases deleted (GTGT; older notation c.427_430delGTGT).
Protein change: p.Val143fs; shifts the reading frame from valine 143.
Molecular consequence: frameshift variant. On other transcripts: 5 prime UTR variant (1), non-coding transcript variant (1).
Genome position (GRCh38, 1-based): chr2:166,056,454-166,056,457, ACAC deleted on the plus strand (GTGT on the coding strand, the reverse complement: SCN1A is on the minus strand); deleting any 4 consecutive bases within chr2:166,056,454-166,056,460 gives the same sequence; the c. name uses the placement nearest the transcript's 3' end. VCF-style (leftmost placement, unchanged base first): chr2-166056453-AACAC-A. GRCh37 (hg19) VCF-style: chr2-166912963-AACAC-A.
Other names: c.427_430del, p.Val143fs (NM_001165964.3, NM_001202435.3, NM_001353948.2 and 10 more transcripts); c.-2001GT[1] (NM_001353961.2); short protein forms V143fs.
Identifiers: ClinVar variation 1389754 (VCV001389754.4), dbSNP rs1699147493, ClinGen allele CA2580614397.